The following is an entry in ClinVar:

NM_004807.3(HS6ST1):c.725C>T (p.Pro242Leu)

Gene: HS6ST1 (heparan sulfate 6-O-sulfotransferase 1; minus strand). Cytogenetic location: 2q14.3.
Variant type: single nucleotide variant.
Coding change: c.725C>T on transcript NM_004807.3 (MANE Select); coding-DNA position 725, C replaced by T.
Protein change: p.Pro242Leu; replaces proline 242 with leucine.
Molecular consequence: missense variant.
Genome position (GRCh38, 1-based): chr2:128,268,673, G>A on the plus strand (C>T on the coding strand, the complement: HS6ST1 is on the minus strand). VCF-style: chr2-128268673-G-A. GRCh37 (hg19) VCF-style: chr2-129026247-G-A.
Other names: short protein forms P242L.
Identifiers: ClinVar variation 1427127 (VCV001427127.6), dbSNP rs578226421, ClinGen allele CA1867557.

ClinVar aggregate classification (germline): Uncertain significance (1 of 4 stars; one submission).

Allele frequency attached by ClinVar (database versions not stated): gnomAD 0.00010 and 0.00013; gnomAD exomes 0.00010 and 0.00017; ExAC 0.00014; 1000 Genomes Project 30x 0.00016; 1000 Genomes Project 0.00020.
gnomAD v4.1: 167 of 1,611,606 alleles (0.01%); highest among the groups gnomAD compares: East Asian, 0.17%; 1 homozygote.

Submission:

Labcorp Genetics (formerly Invitae), Labcorp
Classification: Uncertain significance. Last evaluated: 2024-05-26. Review status: criteria provided, single submitter. Criteria: Invitae Variant Classification Sherloc (09022015). Collection method: clinical testing. Allele origin: germline.
Comment: This sequence change replaces proline, which is neutral and non-polar, with leucine, which is neutral and non-polar, at codon 242 of the HS6ST1 protein (p.Pro242Leu). This variant is present in population databases (rs578226421, gnomAD 0.1%), and has an allele count higher than expected for a pathogenic variant. This variant has not been reported in the literature in individuals affected with HS6ST1-related conditions. ClinVar contains an entry for this variant (Variation ID: 1427127). Advanced modeling of protein sequence and biophysical properties (such as structural, functional, and spatial information, amino acid conservation, physicochemical variation, residue mobility, and thermodynamic stability) has been performed at Invitae for this missense variant, however the output from this modeling did not meet the statistical confidence thresholds required to predict the impact of this variant on HS6ST1 protein function. In summary, the available evidence is currently insufficient to determine the role of this variant in disease. Therefore, it has been classified as a Variant of Uncertain Significance.